The following is an entry in ClinVar:

NM_000520.6(HEXA):c.60_61dup (p.Thr21fs)

Gene: HEXA (hexosaminidase subunit alpha; minus strand). Cytogenetic location: 15q23.
Variant type: Duplication.
Coding change: c.60_61dup on transcript NM_000520.6 (MANE Select); coding-DNA positions 60 to 61, 2 bases duplicated (GA; older notation c.60_61dupGA).
Protein change: p.Thr21fs; shifts the reading frame from threonine 21.
Molecular consequence: frameshift variant. On other transcripts: non-coding transcript variant (1).
Genome position (GRCh38, 1-based): chr15:72,375,912-72,375,913, TC duplicated on the plus strand (GA on the coding strand, the reverse complement: HEXA is on the minus strand). VCF-style (leftmost placement, unchanged base first): chr15-72375911-G-GTC. GRCh37 (hg19) VCF-style: chr15-72668252-G-GTC.
Other names: c.60_61dup, p.Thr21fs (NM_001318825.2); c.60_61dupGA (NM_000520.5); short protein forms T21fs.
Identifiers: ClinVar variation 371468 (VCV000371468.9), dbSNP rs1057517296, ClinGen allele CA16041742.

ClinVar aggregate classification (germline): Pathogenic/Likely pathogenic. Review status: criteria provided, multiple submitters, no conflicts (2 of 4 stars). 3 submissions from 3 submitters: Pathogenic (1); Likely pathogenic (1). 1 of the submissions does not count toward it. Last evaluated 2025-05-08.

Conditions:
Tay-Sachs disease (TSD). Also called: HEXA DEFICIENCY; GM2 gangliosidosis, type 1; Hexosaminidase alpha-subunit deficiency (variant B); Sphingolipidosis, Tay-Sachs; Hexosaminidase A Deficiency; HEXA Disorders. Identifiers: Orphanet 845, MedGen C0039373, MONDO:0010100, OMIM 272800.

Allele frequency attached by ClinVar (database versions not stated): TOPMed below 0.00001; gnomAD exomes below 0.00001.

Submissions (3):

Natera, Inc.
Classification: Likely pathogenic for Tay-Sachs disease. Last evaluated: 2025-05-08. Review status: criteria provided, single submitter. Criteria: Natera Variant Classification Schema (03/2026). Collection method: clinical testing. Allele origin: germline.
Comment: The c.60_61dupGA variant in HEXA is a frameshift variant predicted to shift the reading frame beginning at codon 21 and leads to a stop codon 80 codons downstream. This variant is expected to result in nonsense mediated decay, truncation, or a dysfunctional protein product. This variant is rare in the general population with a frequency below the threshold expected for the associated phenotype(s). Given the available evidence, this variant is classified as Likely Pathogenic.

Labcorp Genetics (formerly Invitae), Labcorp
Classification: Pathogenic for Tay-Sachs disease. Last evaluated: 2023-07-19. Review status: criteria provided, single submitter. Criteria: Invitae Variant Classification Sherloc (09022015). Collection method: clinical testing. Allele origin: germline.
Comment: For these reasons, this variant has been classified as Pathogenic. ClinVar contains an entry for this variant (Variation ID: 371468). This variant has not been reported in the literature in individuals affected with HEXA-related conditions. This variant is not present in population databases (gnomAD no frequency). This sequence change creates a premature translational stop signal (p.Thr21Argfs*80) in the HEXA gene. It is expected to result in an absent or disrupted protein product. Loss-of-function variants in HEXA are known to be pathogenic (PMID: 1833974, 8490625).

Counsyl
Classification: Likely pathogenic for Tay-Sachs disease. Last evaluated: 2016-10-03. Review status: no assertion criteria provided. Collection method: clinical testing. Allele origin: unknown. Not counted in ClinVar's aggregate classification.

Literature cited by the submitters: PubMed 1833974 (cited by Labcorp Genetics (formerly Invitae), Labcorp); PubMed 8490625 (cited by Labcorp Genetics (formerly Invitae), Labcorp).